The following is an entry in ClinVar:

NM_015340.4(LARS2):c.2546C>G (p.Ala849Gly)

Gene: LARS2 (leucyl-tRNA synthetase 2, mitochondrial; plus strand). Cytogenetic location: 3p21.31.
Variant type: single nucleotide variant.
Coding change: c.2546C>G on transcript NM_015340.4 (MANE Select); coding-DNA position 2546, C replaced by G.
Protein change: p.Ala849Gly; replaces alanine 849 with glycine.
Molecular consequence: missense variant.
Genome position (GRCh38, 1-based): chr3:45,547,364, C>G. VCF-style: chr3-45547364-C-G. GRCh37 (hg19) VCF-style: chr3-45588856-C-G.
Other names: c.2546C>G, p.Ala849Gly (NM_001368263.1); short protein forms A849G.
Identifiers: ClinVar variation 1344940 (VCV001344940.6), dbSNP rs200160782, ClinGen allele CA2349938.

ClinVar aggregate classification (germline): Uncertain significance. Review status: criteria provided, multiple submitters, no conflicts (2 of 4 stars). 3 submissions from 3 submitters: Uncertain significance (3). Last evaluated 2025-07-14.

Allele frequency attached by ClinVar (database versions not stated): gnomAD 0.00001; TOPMed 0.00001; ExAC 0.00002; gnomAD exomes 0.00002.
gnomAD v4.1: 51 of 1,609,088 alleles (0.0032%); highest among the groups gnomAD compares: Middle Eastern, 0.033%; no homozygotes.

Submissions (3):

GeneDx
Classification: Uncertain significance. Last evaluated: 2025-07-14. Review status: criteria provided, single submitter. Criteria: GeneDx Variant Classification Process June 2021. Collection method: clinical testing. Allele origin: germline. Affected: yes.
Comment: Not observed at significant frequency in large population cohorts (gnomAD); In silico analysis suggests that this missense variant does not alter protein structure/function; Has not been previously published as pathogenic or benign to our knowledge

Labcorp Genetics (formerly Invitae), Labcorp
Classification: Uncertain significance. Last evaluated: 2024-10-22. Review status: criteria provided, single submitter. Criteria: Invitae Variant Classification Sherloc (09022015). Collection method: clinical testing. Allele origin: germline.
Comment: This sequence change replaces alanine, which is neutral and non-polar, with glycine, which is neutral and non-polar, at codon 849 of the LARS2 protein (p.Ala849Gly). This variant is present in population databases (rs200160782, gnomAD 0.005%). This variant has not been reported in the literature in individuals affected with LARS2-related conditions. ClinVar contains an entry for this variant (Variation ID: 1344940). Invitae Evidence Modeling of protein sequence and biophysical properties (such as structural, functional, and spatial information, amino acid conservation, physicochemical variation, residue mobility, and thermodynamic stability) indicates that this missense variant is not expected to disrupt LARS2 protein function with a negative predictive value of 80%. In summary, the available evidence is currently insufficient to determine the role of this variant in disease. Therefore, it has been classified as a Variant of Uncertain Significance.

Institute for Clinical Genetics, University Hospital TU Dresden, University Hospital TU Dresden
Classification: Uncertain significance. Last evaluated: 2022-03-24. Review status: criteria provided, single submitter. Criteria: ACMG Guidelines, 2015. Collection method: clinical testing. Allele origin: inherited.
Comment: PM2_SUP